The following is an entry in ClinVar:

NM_001384910.1(GUCA1A):c.295T>A (p.Tyr99Asn)

Genes: GUCA1ANB-GUCA1A (GUCA1ANB-GUCA1A readthrough; plus strand), GUCA1A (guanylate cyclase activator 1A; plus strand). Cytogenetic location: 6p21.1.
Variant type: single nucleotide variant.
Coding change: c.295T>A on transcript NM_001384910.1 (MANE Select); coding-DNA position 295, T replaced by A.
Protein change: p.Tyr99Asn; replaces tyrosine 99 with asparagine.
Molecular consequence: missense variant.
Genome position (GRCh38, 1-based): chr6:42,178,373, T>A. VCF-style: chr6-42178373-T-A. GRCh37 (hg19) VCF-style: chr6-42146111-T-A.
Other names: c.295T>A, p.Tyr99Asn (NM_000409.5, NM_001319061.2, NM_001319062.2); short protein forms Y99N.
Identifiers: ClinVar variation 974930 (VCV000974930.1), dbSNP rs1768016404, ClinGen allele CA364109141.

ClinVar aggregate classification (germline): Likely pathogenic (1 of 4 stars; one submission).

Conditions:
Cone dystrophy 3 (COD3). Also called: RETINAL CONE DYSTROPHY. Identifiers: Orphanet 1872, MedGen C1865869, MONDO:0011193, OMIM 602093.

Submission:

SIB Swiss Institute of Bioinformatics
Classification: Likely pathogenic for Cone dystrophy 3. Last evaluated: 2020-06-05. Review status: criteria provided, single submitter. Criteria: ACMG Guidelines, 2015. Collection method: curation. Allele origin: unknown.
Comment: This variant is interpreted as likely pathogenic for Cone dystrophy 3, autosomal dominant. The following ACMG Tag(s) were applied: Absent from controls (or at extremely low frequency if recessive) in Exome Sequencing Project, 1000 Genomes Project, or Exome Aggregation Consortium (PM2); Located in a mutational hot spot and/or critical and well-established functional domain (e.g., active site of an enzyme) without benign variation (PM1); Cosegregation with disease in multiple affected family members in a gene definitively known to cause the disease (PP1); Multiple lines of computational evidence support a deleterious effect on the gene or gene product (PP3).

Literature cited by the submitters: PubMed 31728034.